The following is an entry in ClinVar:

ClinVar aggregate classification (germline): Pathogenic/Likely pathogenic. Review status: criteria provided, multiple submitters, no conflicts (2 of 4 stars). 4 submissions from 4 submitters: Pathogenic (1); Likely pathogenic (3). Last evaluated 2024-03-04.

Conditions:
PANK2-related disorder. Also called: PANK2-related condition.
Pigmentary pallidal degeneration (NBIA1). Also called: PKAN NEUROAXONAL DYSTROPHY, JUVENILE-ONSET; Pantothenate Kinase-Associated Neurodegeneration; Neuroaxonal dystrophy, late infantile; Hallervorden-Spatz disease; Neurodegeneration with brain iron accumulation 1; HARP SYNDROME. Identifiers: Orphanet 157850, MedGen C0018523, MONDO:0009319, OMIM 234200.

Allele frequency attached by ClinVar (database versions not stated): gnomAD exomes below 0.00001; TOPMed 0.00002.

Submissions (4):

Fulgent Genetics
Classification: Likely pathogenic for Pigmentary pallidal degeneration. Last evaluated: 2024-03-04. Review status: criteria provided, single submitter. Criteria: ACMG Guidelines, 2015. Collection method: clinical testing. Allele origin: germline.

Labcorp Genetics (formerly Invitae), Labcorp
Classification: Likely pathogenic for Pigmentary pallidal degeneration. Last evaluated: 2023-11-30. Review status: criteria provided, single submitter. Criteria: Invitae Variant Classification Sherloc (09022015). Collection method: clinical testing. Allele origin: germline.
Comment: This sequence change replaces arginine, which is basic and polar, with tryptophan, which is neutral and slightly polar, at codon 532 of the PANK2 protein (p.Arg532Trp). This variant is not present in population databases (gnomAD no frequency). This missense change has been observed in individual(s) with neurodegeneration with brain iron accumulation and/or PANK2-related conditions (PMID: 12510040, 23166001). This variant is also known as 1264C→T R422W. Advanced modeling of protein sequence and biophysical properties (such as structural, functional, and spatial information, amino acid conservation, physicochemical variation, residue mobility, and thermodynamic stability) performed at Invitae indicates that this missense variant is expected to disrupt PANK2 protein function with a positive predictive value of 95%. In summary, the currently available evidence indicates that the variant is pathogenic, but additional data are needed to prove that conclusively. Therefore, this variant has been classified as Likely Pathogenic.

Blueprint Genetics
Classification: Pathogenic for PANK2-related disorders. Last evaluated: 2021-02-22. Review status: criteria provided, single submitter. Criteria: ACMG Guidelines, 2015. Collection method: clinical testing. Allele origin: germline. Affected: yes. Observed: 1 variant allele.

Suma Genomics
Classification: Likely pathogenic for Pigmentary pallidal degeneration. Review status: criteria provided, single submitter. Criteria: ACMG Guidelines, 2015. Collection method: clinical testing. Allele origin: germline. Inheritance: Autosomal recessive inheritance. Affected: yes. Observed: 1 variant allele, 1 homozygote.
Comment: This variant is observed in six individuals in the gnomAD database in a heterozygous state. In-silico analysis tool REVEL is consistent in predicting this variant to be disease-causing. ACMG classification: Likely pathogenic Criteria met: PM2_Supporting: Extremely low frequency in gnomAD population databases PP1_Strong: Cosegregation PP3: For a missense variant, computational prediction tools unanimously support a deleterious effect on the gene PP4: Considered along with PP1_Strong

Literature cited by the submitters: PubMed 12510040 (cited by Labcorp Genetics (formerly Invitae), Labcorp); PubMed 23166001 (cited by Labcorp Genetics (formerly Invitae), Labcorp).

NM_001386393.1(PANK2):c.1264C>T (p.Arg422Trp)

Gene: PANK2 (pantothenate kinase 2; plus strand). Cytogenetic location: 20p13.
Variant type: single nucleotide variant.
Coding change: c.1264C>T on transcript NM_001386393.1 (MANE Select); coding-DNA position 1264, C replaced by T.
Protein change: p.Arg422Trp; replaces arginine 422 with tryptophan.
Molecular consequence: missense variant. On other transcripts: non-coding transcript variant (1).
Genome position (GRCh38, 1-based): chr20:3,918,728, C>T. VCF-style: chr20-3918728-C-T. GRCh37 (hg19) VCF-style: chr20-3899375-C-T.
Other names: c.721C>T, p.Arg241Trp (NM_001324191.2, NM_024960.6, NM_153640.4); c.286C>T, p.Arg96Trp (NM_001324193.2); c.1594C>T, p.Arg532Trp (NM_153638.4); short protein forms R241W, R422W, R532W, R96W.
Identifiers: ClinVar variation 2736946 (VCV002736946.6), dbSNP rs2090601656, ClinGen allele CA408120515.